The following is an entry in ClinVar:

ClinVar aggregate classification (germline): Likely benign (1 of 4 stars; one submission).

Submission:

CeGaT Center for Human Genetics Tuebingen
Classification: Likely benign. Last evaluated: 2024-10-01. Review status: criteria provided, single submitter. Criteria: CeGaT Center For Human Genetics Tuebingen Variant Classification Criteria Version 2. Collection method: clinical testing. Allele origin: germline. Affected: yes. Observed: 1 variant allele.
Comment: DNAH1: PM2:Supporting, BP4, BP7

NM_015512.5(DNAH1):c.6504T>C (p.Asp2168=)

Gene: DNAH1 (dynein axonemal heavy chain 1; plus strand). Cytogenetic location: 3p21.1.
Variant type: single nucleotide variant.
Coding change: c.6504T>C on transcript NM_015512.5 (MANE Select); coding-DNA position 6504, T replaced by C.
Protein change: p.Asp2168=; no amino-acid change (aspartic acid 2168 retained).
Molecular consequence: synonymous variant.
Genome position (GRCh38, 1-based): chr3:52,370,804, T>C. VCF-style: chr3-52370804-T-C. GRCh37 (hg19) VCF-style: chr3-52404820-T-C.
Identifiers: ClinVar variation 3389849 (VCV003389849.14).